The following is an entry in ClinVar:

ClinVar aggregate classification (germline): Pathogenic (1 of 4 stars; one submission).

Conditions:
Primary ciliary dyskinesia 3. Identifiers: Orphanet 244, MedGen C1837618, MONDO:0012085, OMIM 608644.

Submission:

Myriad Genetics, Inc.
Classification: Pathogenic for Primary ciliary dyskinesia 3. Last evaluated: 2023-09-27. Review status: criteria provided, single submitter. Criteria: Myriad Autosomal Dominant, Autosomal Recessive and X-Linked Classification Criteria (2023). Collection method: clinical testing. Allele origin: unknown.
Comment: NM_001369.2(DNAH5):c.13072dupC(R4358Pfs*4) is expected to be pathogenic in the context of primary ciliary dyskinesia, DNAH5-related. This variant is predicted to lead to an abnormal or absent protein product due to the creation of a premature termination codon in DNAH5, a gene where loss-of-function variants are known to be pathogenic. Please note: this variant was assessed in the context of healthy population screening.

NM_001369.3(DNAH5):c.13072dup (p.Arg4358fs)

Gene: DNAH5 (dynein axonemal heavy chain 5; minus strand). Cytogenetic location: 5p15.2.
Variant type: Duplication.
Coding change: c.13072dup on transcript NM_001369.3 (MANE Select); coding-DNA position 13072, one base duplicated (C; older notation c.13072dupC).
Protein change: p.Arg4358fs; shifts the reading frame from arginine 4358.
Molecular consequence: frameshift variant.
Genome position (GRCh38, 1-based): chr5:13,714,458, G duplicated on the plus strand (C on the coding strand, the reverse complement: DNAH5 is on the minus strand); the first of 3 consecutive G bases (chr5:13,714,458-13,714,460); duplicating any one gives the same sequence. VCF-style (leftmost placement, unchanged base first): chr5-13714457-C-CG. GRCh37 (hg19) VCF-style: chr5-13714566-C-CG.
Other names: short protein forms R4358fs.
Identifiers: ClinVar variation 5011940 (VCV005011940.1).